The following is an entry in ClinVar:

NM_024675.4(PALB2):c.189C>T (p.Leu63=)

Gene: PALB2 (partner and localizer of BRCA2; minus strand). Cytogenetic location: 16p12.2.
Variant type: single nucleotide variant.
Coding change: c.189C>T on transcript NM_024675.4 (MANE Select); coding-DNA position 189, C replaced by T.
Protein change: p.Leu63=; no amino-acid change (leucine 63 retained).
Molecular consequence: synonymous variant. On other transcripts: 5 prime UTR variant (8), intron variant (3).
Genome position (GRCh38, 1-based): chr16:23,637,872, G>A on the plus strand (C>T on the coding strand, the complement: PALB2 is on the minus strand). VCF-style: chr16-23637872-G-A. GRCh37 (hg19) VCF-style: chr16-23649193-G-A.
Other names: c.129C>T, p.Leu43= (NM_001407296.1); c.189C>T, p.Leu63= (NM_001407297.1, NM_001407298.1, NM_001407299.1 and 3 more transcripts); c.-697C>T (NM_001407304.1, NM_001407305.1, NM_001407306.1 and 5 more transcripts); c.48+3238C>T (NM_001407314.1); c.-105+3238C>T (NM_001407313.1, NM_001407312.1).
Identifiers: ClinVar variation 2784762 (VCV002784762.5), dbSNP rs1788725990, ClinGen allele CA494167476.
Genomic context (GRCh38, chr16:23,637,872, plus strand): 5'-AATAATAAAGCAGGCATAAGTGAATGGTCTAGATTTACCTGAGTGTTTTAGCTGCGGTGA[G>A]AGATCCTGCTGAGACAAACAATCTTGTTCTTCTACTGTTTTCTTAATAGAATGCTTAATC-3'
Protein context (NP_078951.2, residues 53-73): EEQDCLSQQD[Leu63=]SPQLKHSEPK

ClinVar aggregate classification (germline): Benign/Likely benign. Review status: criteria provided, multiple submitters, no conflicts (2 of 4 stars). 3 submissions from 3 submitters: Benign (1); Likely benign (2). Last evaluated 2025-09-21.

Conditions:
Hereditary cancer-predisposing syndrome. Also called: Hereditary neoplastic syndrome; Neoplastic Syndromes, Hereditary; Tumor predisposition; Hereditary Cancer Syndrome. Identifiers: Orphanet 140162, MedGen C0027672, MeSH D009386, MONDO:0015356.
Familial cancer of breast. Also called: Hereditary breast cancer; BREAST CANCER, FAMILIAL; hereditary breast carcinoma. Identifiers: Orphanet 227535, MedGen C0346153, MONDO:0016419, OMIM 114480. Disease mechanism: loss of function.

Submissions (3):

Labcorp Genetics (formerly Invitae), Labcorp
Classification: Likely benign for Familial cancer of breast. Last evaluated: 2025-09-21. Review status: criteria provided, single submitter. Criteria: Invitae Variant Classification Sherloc (09022015). Collection method: clinical testing. Allele origin: germline.

Myriad Genetics, Inc.
Classification: Benign for Familial cancer of breast. Last evaluated: 2025-01-09. Review status: criteria provided, single submitter. Criteria: Myriad Autosomal Dominant, Autosomal Recessive and X-Linked Classification Criteria (2023). Collection method: clinical testing. Allele origin: unknown.
Comment: This variant is considered benign. This variant is a silent/synonymous amino acid change and it is not expected to impact splicing.

Ambry Genetics
Classification: Likely benign for Hereditary cancer-predisposing syndrome. Last evaluated: 2024-03-28. Review status: criteria provided, single submitter. Criteria: Ambry Variant Classification Scheme 2023. Collection method: clinical testing. Allele origin: germline.